The following is an entry in ClinVar:

ClinVar aggregate classification (germline): Uncertain significance. Review status: criteria provided, multiple submitters, no conflicts (2 of 4 stars). 2 submissions from 2 submitters: Uncertain significance (2). Last evaluated 2026-04-16.

Conditions:
Congenital contractural arachnodactyly (CCA). Also called: BEALS SYNDROME; Beals-Hecht syndrome; Arthrogryposis, distal, type 9. Identifiers: Orphanet 115, MedGen C0220668, MONDO:0007363, OMIM 121050.
Familial thoracic aortic aneurysm and aortic dissection (TAAD). Also called: Thoracic aortic aneurysms and dissections. Identifiers: Orphanet 91387, MedGen C4707243, MONDO:0019625.

gnomAD v4.1: 3 of 1,613,560 alleles (0.00019%); highest among the groups gnomAD compares: Non-Finnish European, 0.00025%; no homozygotes.

Submissions (2):

Ambry Genetics
Classification: Uncertain significance for Familial thoracic aortic aneurysm and aortic dissection. Last evaluated: 2026-04-16. Review status: criteria provided, single submitter. Criteria: Ambry Variant Classification Scheme 2023. Collection method: clinical testing. Allele origin: germline.
Comment: The p.G2552W variant (also known as c.7654G>T), located in coding exon 60 of the FBN2 gene, results from a G to T substitution at nucleotide position 7654. The glycine at codon 2552 is replaced by tryptophan, an amino acid with highly dissimilar properties. This amino acid position is highly conserved in available vertebrate species. In addition, this alteration is predicted to be deleterious by in silico analysis. Based on the available evidence, the clinical significance of this variant remains unclear.

Labcorp Genetics (formerly Invitae), Labcorp
Classification: Uncertain significance for Congenital contractural arachnodactyly. Last evaluated: 2026-01-27. Review status: criteria provided, single submitter. Criteria: Invitae Variant Classification Sherloc (09022015). Collection method: clinical testing. Allele origin: germline.
Comment: This sequence change replaces glycine, which is neutral and non-polar, with tryptophan, which is neutral and slightly polar, at codon 2552 of the FBN2 protein (p.Gly2552Trp). This variant is present in population databases (no rsID available, gnomAD 0.0009%). This variant has not been reported in the literature in individuals affected with FBN2-related conditions. Invitae Evidence Modeling of protein sequence and biophysical properties (such as structural, functional, and spatial information, amino acid conservation, physicochemical variation, residue mobility, and thermodynamic stability) indicates that this missense variant is expected to disrupt FBN2 protein function with a positive predictive value of 80%. In summary, the available evidence is currently insufficient to determine the role of this variant in disease. Therefore, it has been classified as a Variant of Uncertain Significance.

NM_001999.4(FBN2):c.7654G>T (p.Gly2552Trp)

Gene: FBN2 (fibrillin 2; minus strand). Cytogenetic location: 5q23.3.
Variant type: single nucleotide variant.
Coding change: c.7654G>T on transcript NM_001999.4 (MANE Select); coding-DNA position 7654, G replaced by T.
Protein change: p.Gly2552Trp; replaces glycine 2552 with tryptophan.
Molecular consequence: missense variant.
Genome position (GRCh38, 1-based): chr5:128,274,624, C>A on the plus strand (G>T on the coding strand, the complement: FBN2 is on the minus strand). VCF-style: chr5-128274624-C-A. GRCh37 (hg19) VCF-style: chr5-127610316-C-A.
Other names: c.7654G>T (NM_001999.3); short protein forms G2552W.
Identifiers: ClinVar variation 4751669 (VCV004751669.2).